The following is an entry in ClinVar:

ClinVar aggregate classification (germline): Uncertain significance (1 of 4 stars; one submission).

Submission:

Ambry Genetics
Classification: Uncertain significance. Last evaluated: 2024-03-24. Review status: criteria provided, single submitter. Criteria: Ambry Variant Classification Scheme 2023. Collection method: clinical testing. Allele origin: germline.
Comment: The p.K2287E variant (also known as c.6859A>G), located in coding exon 24 of the POLQ gene, results from an A to G substitution at nucleotide position 6859. The lysine at codon 2287 is replaced by glutamic acid, an amino acid with similar properties. This amino acid position is conserved. In addition, this alteration is predicted to be tolerated by in silico analysis. Based on the available evidence, the clinical significance of this alteration remains unclear.

NM_199420.4(POLQ):c.6859A>G (p.Lys2287Glu)

Gene: POLQ (DNA polymerase theta; minus strand). Cytogenetic location: 3q13.33.
Variant type: single nucleotide variant.
Coding change: c.6859A>G on transcript NM_199420.4 (MANE Select); coding-DNA position 6859, A replaced by G.
Protein change: p.Lys2287Glu; replaces lysine 2287 with glutamic acid.
Molecular consequence: missense variant.
Genome position (GRCh38, 1-based): chr3:121,467,627, T>C on the plus strand (A>G on the coding strand, the complement: POLQ is on the minus strand). VCF-style: chr3-121467627-T-C. GRCh37 (hg19) VCF-style: chr3-121186474-T-C.
Other names: short protein forms K2287E.
Identifiers: ClinVar variation 3308558 (VCV003308558.1).